The following is an entry in ClinVar:

ClinVar aggregate classification (germline): Uncertain significance (1 of 4 stars; one submission).

Conditions:
Familial hemophagocytic lymphohistiocytosis 5. Also called: STXBP2-Related Familial Hemophagocytic Lymphohistiocytosis (STXBP2-fHLH). Identifiers: Orphanet 540, MedGen C2751293, MONDO:0013135, OMIM 613101.

Allele frequency attached by ClinVar (database versions not stated): gnomAD exomes 0.00001; TOPMed 0.00001.
gnomAD v4.1: 19 of 1,613,630 alleles (0.0012%); highest among the groups gnomAD compares: Non-Finnish European, 0.0014%; no homozygotes.

Submission:

Labcorp Genetics (formerly Invitae), Labcorp
Classification: Uncertain significance for Familial hemophagocytic lymphohistiocytosis 5. Last evaluated: 2024-01-19. Review status: criteria provided, single submitter. Criteria: Invitae Variant Classification Sherloc (09022015). Collection method: clinical testing. Allele origin: germline.
Comment: This sequence change replaces tyrosine, which is neutral and polar, with cysteine, which is neutral and slightly polar, at codon 537 of the STXBP2 protein (p.Tyr537Cys). This variant is not present in population databases (gnomAD no frequency). This variant has not been reported in the literature in individuals affected with STXBP2-related conditions. ClinVar contains an entry for this variant (Variation ID: 538146). Advanced modeling of protein sequence and biophysical properties (such as structural, functional, and spatial information, amino acid conservation, physicochemical variation, residue mobility, and thermodynamic stability) performed at Invitae indicates that this missense variant is expected to disrupt STXBP2 protein function with a positive predictive value of 80%. In summary, the available evidence is currently insufficient to determine the role of this variant in disease. Therefore, it has been classified as a Variant of Uncertain Significance.

NM_006949.4(STXBP2):c.1610A>G (p.Tyr537Cys)

Gene: STXBP2 (syntaxin binding protein 2; plus strand). Cytogenetic location: 19p13.2.
Variant type: single nucleotide variant.
Coding change: c.1610A>G on transcript NM_006949.4 (MANE Select); coding-DNA position 1610, A replaced by G.
Protein change: p.Tyr537Cys; replaces tyrosine 537 with cysteine.
Molecular consequence: missense variant. On other transcripts: non-coding transcript variant (1).
Genome position (GRCh38, 1-based): chr19:7,647,425, A>G. VCF-style: chr19-7647425-A-G. GRCh37 (hg19) VCF-style: chr19-7712311-A-G.
Other names: c.1601A>G, p.Tyr534Cys (NM_001127396.3); c.1643A>G, p.Tyr548Cys (NM_001272034.2); short protein forms Y537C, Y534C, Y548C.
Identifiers: ClinVar variation 538146 (VCV000538146.7), dbSNP rs1205069718, ClinGen allele CA403162059.